The following is an entry in ClinVar:

ClinVar aggregate classification (germline): Conflicting classifications of pathogenicity. Review status: criteria provided, conflicting classifications (1 of 4 stars). 3 submissions from 3 submitters: Uncertain significance (1); Likely benign (1). 1 of the submissions does not count toward it. Last evaluated 2026-01-06.

Conditions:
COL11A1-related disorder. Also called: COL11A1-related disorders; COL11A1-related condition.

Allele frequency attached by ClinVar (database versions not stated): gnomAD exomes 0.00001; ExAC 0.00002.
gnomAD v4.1: 13 of 1,613,952 alleles (0.00081%); highest among the groups gnomAD compares: Non-Finnish European, 0.0011%; no homozygotes.

Submissions (3):

Labcorp Genetics (formerly Invitae), Labcorp
Classification: Likely benign. Last evaluated: 2026-01-06. Review status: criteria provided, single submitter. Criteria: Invitae Variant Classification Sherloc (09022015). Collection method: clinical testing. Allele origin: germline.

Blueprint Genetics
Classification: Uncertain significance. Last evaluated: 2024-05-08. Review status: criteria provided, single submitter. Criteria: ACMG Guidelines, 2015. Collection method: clinical testing. Allele origin: germline.

PreventionGenetics, part of Exact Sciences
Classification: Likely benign for COL11A1-related condition. Last evaluated: 2024-04-03. Review status: no assertion criteria provided. Collection method: clinical testing. Allele origin: germline. Not counted in ClinVar's aggregate classification.
Comment: This variant is classified as likely benign based on ACMG/AMP sequence variant interpretation guidelines (Richards et al. 2015 PMID: 25741868, with internal and published modifications).

NM_001854.4(COL11A1):c.1140A>G (p.Glu380=)

Gene: COL11A1 (collagen type XI alpha 1 chain; minus strand). Cytogenetic location: 1p21.1.
Variant type: single nucleotide variant.
Coding change: c.1140A>G on transcript NM_001854.4 (MANE Select); coding-DNA position 1140, A replaced by G.
Protein change: p.Glu380=; no amino-acid change (glutamic acid 380 retained).
Molecular consequence: synonymous variant. On other transcripts: non-coding transcript variant (1), intron variant (1).
Genome position (GRCh38, 1-based): chr1:103,022,847, T>C on the plus strand (A>G on the coding strand, the complement: COL11A1 is on the minus strand). VCF-style: chr1-103022847-T-C. GRCh37 (hg19) VCF-style: chr1-103488403-T-C.
Other names: c.1023A>G, p.Glu341= (NM_001190709.2); c.1176A>G, p.Glu392= (NM_080629.3); c.898-1078A>G (NM_080630.4); c.1140A>G (NM_001854.3).
Identifiers: ClinVar variation 2995632 (VCV002995632.5), dbSNP rs757150121, ClinGen allele CA975109.